The following is an entry in ClinVar:

NM_003846.3(PEX11B):c.71C>G (p.Ala24Gly)

Gene: PEX11B (peroxisomal biogenesis factor 11 beta; minus strand). Cytogenetic location: 1q21.1.
Variant type: single nucleotide variant.
Coding change: c.71C>G on transcript NM_003846.3 (MANE Select); coding-DNA position 71, C replaced by G.
Protein change: p.Ala24Gly; replaces alanine 24 with glycine.
Molecular consequence: missense variant. On other transcripts: non-coding transcript variant (3).
Genome position (GRCh38, 1-based): chr1:145,917,802, G>C on the plus strand (C>G on the coding strand, the complement: PEX11B is on the minus strand). VCF-style: chr1-145917802-G-C. GRCh37 (hg19) VCF-style: chr1-145517287-C-G.
Other names: c.29C>G, p.Ala10Gly (NM_001184795.1); short protein forms A10G, A24G.
Identifiers: ClinVar variation 4715509 (VCV004715509.1).

ClinVar aggregate classification (germline): Uncertain significance (1 of 4 stars; one submission).

Submission:

Labcorp Genetics (formerly Invitae), Labcorp
Classification: Uncertain significance. Last evaluated: 2025-06-12. Review status: criteria provided, single submitter. Criteria: Invitae Variant Classification Sherloc (09022015). Collection method: clinical testing. Allele origin: germline.
Comment: This sequence change replaces alanine, which is neutral and non-polar, with glycine, which is neutral and non-polar, at codon 24 of the PEX11B protein (p.Ala24Gly). This variant is not present in population databases (gnomAD no frequency). This variant has not been reported in the literature in individuals affected with PEX11B-related conditions. An algorithm developed to predict the effect of missense changes on protein structure and function (PolyPhen-2) suggests that this variant is likely to be disruptive. In summary, the available evidence is currently insufficient to determine the role of this variant in disease. Therefore, it has been classified as a Variant of Uncertain Significance.